The following is an entry in ClinVar:

NM_003719.5(PDE8B):c.*1590T>A

Gene: PDE8B (phosphodiesterase 8B; plus strand). Cytogenetic location: 5q13.3.
Variant type: single nucleotide variant.
Coding change: c.*1590T>A on transcript NM_003719.5 (MANE Select); 1590 bases downstream of the stop codon, T replaced by A.
Molecular consequence: 3 prime UTR variant.
Genome position (GRCh38, 1-based): chr5:77,428,144, T>A. VCF-style: chr5-77428144-T-A. GRCh37 (hg19) VCF-style: chr5-76723969-T-A.
Other names: c.*1590T>A (NM_001029851.4, NM_001029852.4, NM_001029853.4 and 19 more transcripts); c.*1676T>A (NM_001349751.3, NM_001376072.1).
Identifiers: ClinVar variation 354210 (VCV000354210.5), dbSNP rs1580, ClinGen allele CA10620783.

ClinVar aggregate classification (germline): Benign (1 of 4 stars; one submission).

Conditions:
Autosomal dominant striatal neurodegeneration type 1. Identifiers: Orphanet 228169, MedGen C4310808, MONDO:0012205, OMIM 609161.

Allele frequency attached by ClinVar (database versions not stated): 1000 Genomes Project 30x 0.00234; 1000 Genomes Project 0.00240; TOPMed 0.00512; gnomAD 0.00550 and 0.00565.

Submission:

Illumina Laboratory Services, Illumina
Classification: Benign for Autosomal dominant striatal neurodegeneration type 1. Last evaluated: 2018-01-13. Review status: criteria provided, single submitter. Criteria: ICSL Variant Classification Criteria 13 December 2019. Collection method: clinical testing. Allele origin: germline.
Comment: This variant was observed in the ICSL laboratory as part of a predisposition screen in an ostensibly healthy population. It had not been previously curated by ICSL or reported in the Human Gene Mutation Database (HGMD: prior to June 1st, 2018), and was therefore a candidate for classification through an automated scoring system. Utilizing variant allele frequency, disease prevalence and penetrance estimates, and inheritance mode, an automated score was calculated to assess if this variant is too frequent to cause the disease. Based on the score and internal cut-off values, a variant classified as benign is not then subjected to further curation. The score for this variant resulted in a classification of benign for this disease.